The following is an entry in ClinVar:

ClinVar aggregate classification (germline): Conflicting classifications of pathogenicity. Review status: criteria provided, conflicting classifications (1 of 4 stars). 5 submissions from 5 submitters: Uncertain significance (1); Likely benign (4). Last evaluated 2026-01-21.

Conditions:
NOTCH2-related disorder. Also called: NOTCH2-related condition.
Hajdu-Cheney syndrome (HJCYS). Also called: ACROOSTEOLYSIS WITH OSTEOPOROSIS AND CHANGES IN SKULL AND MANDIBLE; SERPENTINE FIBULA-POLYCYSTIC KIDNEY SYNDROME; Acroosteolysis dominant type. Identifiers: Orphanet 955, MedGen C0917715, MONDO:0007057, OMIM 102500.

Allele frequency attached by ClinVar (database versions not stated): ExAC 0.00012; gnomAD exomes 0.00015; 1000 Genomes Project 0.00020; ESP Exome Variant Server 0.00023; 1000 Genomes Project 30x 0.00031; TOPMed 0.00045; gnomAD 0.00046 and 0.00050.
gnomAD v4.1: 145 of 1,614,158 alleles (0.009%); highest among the groups gnomAD compares: African/African-American, 0.12%; no homozygotes.

Submissions (5):

Labcorp Genetics (formerly Invitae), Labcorp
Classification: Likely benign for Hajdu-Cheney syndrome. Last evaluated: 2026-01-21. Review status: criteria provided, single submitter. Criteria: Invitae Variant Classification Sherloc (09022015). Collection method: clinical testing. Allele origin: germline.

Women's Health and Genetics/Laboratory Corporation of America, LabCorp
Classification: Likely benign. Last evaluated: 2026-01-21. Review status: criteria provided, single submitter. Criteria: LabCorp Variant Classification Summary - May 2015. Collection method: clinical testing. Allele origin: germline.
Comment: Variant summary: NOTCH2 c.3235G>A (p.Val1079Ile) results in a conservative amino acid change in the encoded protein sequence. Algorithms developed to predict the effect of missense changes on protein structure and function all suggest that this variant is likely to be tolerated. The variant allele was found at a frequency of 0.00015 in 251286 control chromosomes, predominantly at a frequency of 0.0014 within the African or African-American subpopulation in the gnomAD database. The observed variant frequency within African or African-American control individuals in the gnomAD database exceeds the estimated maximal expected allele frequency for disease-causing variants in NOTCH2. To our knowledge, no occurrence of c.3235G>A in individuals affected with NOTCH2-related conditions and no experimental evidence demonstrating its impact on protein function have been reported. ClinVar contains an entry for this variant (Variation ID: 498958). Based on the evidence outlined above, the variant was classified as likely benign.

PreventionGenetics, part of Exact Sciences
Classification: Likely benign for NOTCH2-related condition. Last evaluated: 2024-11-22. Review status: criteria provided, single submitter. Criteria: ACMG Guidelines, 2015. Collection method: clinical testing. Allele origin: germline.
Comment: This variant is classified as likely benign based on ACMG/AMP sequence variant interpretation guidelines (Richards et al. 2015 PMID: 25741868, with internal and published modifications).

Blueprint Genetics
Classification: Likely benign. Last evaluated: 2024-07-02. Review status: criteria provided, single submitter. Criteria: ACMG Guidelines, 2015. Collection method: clinical testing. Allele origin: germline.

Eurofins Ntd Llc (ga)
Classification: Uncertain significance. Last evaluated: 2017-12-12. Review status: criteria provided, single submitter. Criteria: EGL Classification Definitions 2015. Collection method: clinical testing. Allele origin: germline. Observed: 3 variant alleles, 3 heterozygotes.

NM_024408.4(NOTCH2):c.3235G>A (p.Val1079Ile)

Gene: NOTCH2 (notch receptor 2; minus strand). Cytogenetic location: 1p12.
Variant type: single nucleotide variant.
Coding change: c.3235G>A on transcript NM_024408.4 (MANE Select); coding-DNA position 3235, G replaced by A.
Protein change: p.Val1079Ile; replaces valine 1079 with isoleucine.
Molecular consequence: missense variant.
Genome position (GRCh38, 1-based): chr1:119,937,959, C>T on the plus strand (G>A on the coding strand, the complement: NOTCH2 is on the minus strand). VCF-style: chr1-119937959-C-T. GRCh37 (hg19) VCF-style: chr1-120480582-C-T.
Other names: c.3235G>A (NM_024408.3); c.3235G>A, p.Val1079Ile (NM_001200001.2); short protein forms V1079I.
Identifiers: ClinVar variation 498958 (VCV000498958.16), dbSNP rs368918146, ClinGen allele CA1040115.